The following is an entry in ClinVar:

ClinVar aggregate classification (germline): Uncertain significance (1 of 4 stars; one submission).

Allele frequency attached by ClinVar (database versions not stated): ExAC 0.00001; gnomAD 0.00001 and 0.00002; gnomAD exomes 0.00001; TOPMed 0.00002.
gnomAD v4.1: 14 of 1,614,068 alleles (0.00087%); highest among the groups gnomAD compares: Admixed American, 0.0067%; no homozygotes.

Submission:

Labcorp Genetics (formerly Invitae), Labcorp
Classification: Uncertain significance. Last evaluated: 2025-11-03. Review status: criteria provided, single submitter. Criteria: Invitae Variant Classification Sherloc (09022015). Collection method: clinical testing. Allele origin: germline.
Comment: This sequence change replaces proline, which is neutral and non-polar, with alanine, which is neutral and non-polar, at codon 405 of the COL7A1 protein (p.Pro405Ala). This variant is present in population databases (rs757132559, gnomAD 0.006%). This variant has not been reported in the literature in individuals affected with COL7A1-related conditions. ClinVar contains an entry for this variant (Variation ID: 1444150). Invitae Evidence Modeling of protein sequence and biophysical properties (such as structural, functional, and spatial information, amino acid conservation, physicochemical variation, residue mobility, and thermodynamic stability) indicates that this missense variant is not expected to disrupt COL7A1 protein function with a negative predictive value of 95%. In summary, the available evidence is currently insufficient to determine the role of this variant in disease. Therefore, it has been classified as a Variant of Uncertain Significance.

NM_000094.4(COL7A1):c.1213C>G (p.Pro405Ala)

Gene: COL7A1 (collagen type VII alpha 1 chain; minus strand). Cytogenetic location: 3p21.31.
Variant type: single nucleotide variant.
Coding change: c.1213C>G on transcript NM_000094.4 (MANE Select); coding-DNA position 1213, C replaced by G.
Protein change: p.Pro405Ala; replaces proline 405 with alanine.
Molecular consequence: missense variant.
Genome position (GRCh38, 1-based): chr3:48,592,129, G>C on the plus strand (C>G on the coding strand, the complement: COL7A1 is on the minus strand). VCF-style: chr3-48592129-G-C. GRCh37 (hg19) VCF-style: chr3-48629562-G-C.
Other names: short protein forms P405A.
Identifiers: ClinVar variation 1444150 (VCV001444150.5), dbSNP rs757132559, ClinGen allele CA2381294.